The following is an entry in ClinVar:

ClinVar aggregate classification (germline): Likely benign (1 of 4 stars; one submission).

Conditions:
MYO5B-related disorder. Also called: MYO5B-related condition.

gnomAD v4.1: 6 of 1,598,276 alleles (0.00038%); highest among the groups gnomAD compares: Non-Finnish European, 0.000085%; no homozygotes.

Submission:

PreventionGenetics, part of Exact Sciences
Classification: Likely benign for MYO5B-related condition. Last evaluated: 2026-09-23. Review status: criteria provided, single submitter. Criteria: ACMG Guidelines, 2015. Collection method: clinical testing. Allele origin: germline.
Comment: This variant is classified as likely benign based on ACMG/AMP sequence variant interpretation guidelines (Richards et al. 2015 PMID: 25741868, with internal and published modifications).

NM_001080467.3(MYO5B):c.1920G>A (p.Leu640=)

Gene: MYO5B (myosin VB; minus strand). Cytogenetic location: 18q21.1.
Variant type: single nucleotide variant.
Coding change: c.1920G>A on transcript NM_001080467.3 (MANE Select); coding-DNA position 1920, G replaced by A.
Protein change: p.Leu640=; no amino-acid change (leucine 640 retained).
Molecular consequence: synonymous variant.
Genome position (GRCh38, 1-based): chr18:49,936,335, C>T on the plus strand (G>A on the coding strand, the complement: MYO5B is on the minus strand). VCF-style: chr18-49936335-C-T. GRCh37 (hg19) VCF-style: chr18-47462705-C-T.
Identifiers: ClinVar variation 4991516 (VCV004991516.1).